The following is an entry in ClinVar:

ClinVar aggregate classification (germline): Conflicting classifications of pathogenicity. Review status: criteria provided, conflicting classifications (1 of 4 stars). 4 submissions from 4 submitters: Uncertain significance (2); Likely benign (2). Last evaluated 2025-12-24.

Conditions:
Hereditary nonpolyposis colorectal neoplasms. Identifiers: MedGen C0009405, MeSH D003123.
Hereditary cancer-predisposing syndrome. Also called: Tumor predisposition; Hereditary Cancer Syndrome; Hereditary neoplastic syndrome; Neoplastic Syndromes, Hereditary. Identifiers: Orphanet 140162, MedGen C0027672, MeSH D009386, MONDO:0015356.
Lynch syndrome 4 (LYNCH4). Also called: Colorectal cancer, hereditary nonpolyposis, type 4; Hereditary non-polyposis colorectal cancer, type 4. Identifiers: Orphanet 144, MedGen C1838333, MONDO:0013699, OMIM 614337. Disease mechanism: loss of function.

Submissions (4):

Labcorp Genetics (formerly Invitae), Labcorp
Classification: Likely benign for Hereditary nonpolyposis colorectal neoplasms. Last evaluated: 2025-12-24. Review status: criteria provided, single submitter. Criteria: Invitae Variant Classification Sherloc (09022015). Collection method: clinical testing. Allele origin: germline.

Myriad Genetics, Inc.
Classification: Likely benign for Lynch syndrome 4. Last evaluated: 2025-01-29. Review status: criteria provided, single submitter. Criteria: Myriad Autosomal Dominant, Autosomal Recessive and X-Linked Classification Criteria (2023). Collection method: clinical testing. Allele origin: unknown.
Comment: This variant is considered likely benign. This variant is intronic and is not expected to impact mRNA splicing.

Ambry Genetics
Classification: Uncertain significance for Hereditary cancer-predisposing syndrome. Last evaluated: 2023-05-22. Review status: criteria provided, single submitter. Criteria: Ambry Variant Classification Scheme 2023. Collection method: clinical testing. Allele origin: germline.
Comment: The c.1145-5C>T intronic variant results from a C to T substitution 5 nucleotides upstream from coding exon 11 in the PMS2 gene. This alteration has been reported in a study of 99 probands diagnosed with Lynch syndrome-associated tumors showing isolated loss of PMS2 by immunohistochemistry (Senter L et al. Gastroenterology, 2008 Aug;135:419-28). This nucleotide position is not well conserved in available vertebrate species. In silico splice site analysis predicts that this alteration will not have any significant effect on splicing. Since supporting evidence is limited at this time, the clinical significance of this alteration remains unclear.

Color Diagnostics, LLC DBA Color Health
Classification: Uncertain significance for Hereditary cancer-predisposing syndrome. Last evaluated: 2019-05-23. Review status: criteria provided, single submitter. Criteria: ACMG Guidelines, 2015. Collection method: clinical testing. Allele origin: germline.

Literature cited by the submitters: PubMed 18602922 (cited by Ambry Genetics).

NM_000535.7(PMS2):c.1145-5C>T

Gene: PMS2 (PMS1 homolog 2, mismatch repair system component; minus strand). Cytogenetic location: 7p22.1.
Variant type: single nucleotide variant.
Coding change: c.1145-5C>T on transcript NM_000535.7 (MANE Select); 5 bases into the intron before coding-DNA position 1145, C replaced by T.
Molecular consequence: intron variant.
Genome position (GRCh38, 1-based): chr7:5,987,625, G>A on the plus strand (C>T on the coding strand, the complement: PMS2 is on the minus strand). VCF-style: chr7-5987625-G-A. GRCh37 (hg19) VCF-style: chr7-6027256-G-A.
Other names: c.827-5C>T (NM_001322008.2, NM_001322007.2); c.584-5C>T (NM_001322010.2); c.740-5C>T (NM_001322004.2, NM_001322003.2, NM_001322009.2 and 1 more transcripts); c.572-5C>T (NM_001322013.2); c.212-5C>T (NM_001322012.2, NM_001322011.2); c.836-5C>T (NM_001322015.2); c.989-5C>T (NM_001322006.2); c.1145-5C>T (NM_001322014.2).
Identifiers: ClinVar variation 91293 (VCV000091293.17), dbSNP rs267608157, ClinGen allele CA009257.